The following is an entry in ClinVar:

NM_001273.5(CHD4):c.1984C>T (p.Gln662Ter)

Gene: CHD4 (chromodomain helicase DNA binding protein 4; minus strand). Cytogenetic location: 12p13.31.
Variant type: single nucleotide variant.
Coding change: c.1984C>T on transcript NM_001273.5 (MANE Select); coding-DNA position 1984, C replaced by T.
Protein change: p.Gln662Ter; replaces glutamine 662 with a stop codon.
Molecular consequence: nonsense.
Genome position (GRCh38, 1-based): chr12:6,596,046, G>A on the plus strand (C>T on the coding strand, the complement: CHD4 is on the minus strand). VCF-style: chr12-6596046-G-A. GRCh37 (hg19) VCF-style: chr12-6705212-G-A.
Other names: c.1963C>T, p.Gln655Ter (NM_001297553.2); c.1945C>T, p.Gln649Ter (NM_001363606.2); short protein forms Q649*, Q655*, Q662*.
Identifiers: ClinVar variation 3338570 (VCV003338570.1).

ClinVar aggregate classification (germline): Likely pathogenic (1 of 4 stars; one submission).

Conditions:
Sifrim-Hitz-Weiss syndrome (SIHIWES). Also called: CHD4 Neurodevelopmental Disorder; SIFRIM-HITZ-WEISS MULTIPLE CONGENITAL ANOMALIES-MENTAL RETARDATION SYNDROME. Identifiers: Orphanet 653712, MedGen C4310688, MONDO:0014946, OMIM 617159.

Submission:

Greenwood Genetic Center Diagnostic Laboratories, Greenwood Genetic Center
Classification: Likely pathogenic for Sifrim-Hitz-Weiss syndrome. Last evaluated: 2024-06-21. Review status: criteria provided, single submitter. Criteria: ACMG Guidelines, 2015. Collection method: clinical testing. Allele origin: germline. Affected: yes.
Comment: PVS1, PM2